The following is an entry in ClinVar:

NM_001939.3(DRP2):c.1307A>G (p.Gln436Arg)

Gene: DRP2 (dystrophin related protein 2; plus strand). Cytogenetic location: Xq22.1.
Variant type: single nucleotide variant.
Coding change: c.1307A>G on transcript NM_001939.3 (MANE Select); coding-DNA position 1307, A replaced by G.
Protein change: p.Gln436Arg; replaces glutamine 436 with arginine.
Molecular consequence: missense variant.
Genome position (GRCh38, 1-based): chrX:101,248,143, A>G. VCF-style: chrX-101248143-A-G. GRCh37 (hg19) VCF-style: chrX-100503132-A-G.
Other names: c.1073A>G, p.Gln358Arg (NM_001171184.2); short protein forms Q358R, Q436R.
Identifiers: ClinVar variation 4694616 (VCV004694616.1).

ClinVar aggregate classification (germline): Uncertain significance (1 of 4 stars; one submission).

gnomAD v4.1: 2 of 1,211,691 alleles (0.00017%); highest among the groups gnomAD compares: Admixed American, 0.0043%; no homozygotes.

Submission:

Labcorp Genetics (formerly Invitae), Labcorp
Classification: Uncertain significance. Last evaluated: 2025-06-16. Review status: criteria provided, single submitter. Criteria: Invitae Variant Classification Sherloc (09022015). Collection method: clinical testing. Allele origin: germline.
Comment: This sequence change replaces glutamine, which is neutral and polar, with arginine, which is basic and polar, at codon 436 of the DRP2 protein (p.Gln436Arg). This variant is present in population databases (rs764314114, gnomAD 0.008%). This variant has not been reported in the literature in individuals affected with DRP2-related conditions. Invitae Evidence Modeling of protein sequence and biophysical properties (such as structural, functional, and spatial information, amino acid conservation, physicochemical variation, residue mobility, and thermodynamic stability) indicates that this missense variant is not expected to disrupt DRP2 protein function with a negative predictive value of 80%. In summary, the available evidence is currently insufficient to determine the role of this variant in disease. Therefore, it has been classified as a Variant of Uncertain Significance.